The following is an entry in ClinVar:

ClinVar aggregate classification (germline): Uncertain significance (1 of 4 stars; one submission).

Allele frequency attached by ClinVar (database versions not stated): gnomAD 0.00001; TOPMed 0.00001.
gnomAD v4.1: 1 of 1,613,970 alleles (0.000062%); highest among the groups gnomAD compares: Non-Finnish European, 0.000085%; no homozygotes.

Submission:

Labcorp Genetics (formerly Invitae), Labcorp
Classification: Uncertain significance. Last evaluated: 2019-10-30. Review status: criteria provided, single submitter. Criteria: Invitae Variant Classification Sherloc (09022015). Collection method: clinical testing. Allele origin: germline.
Comment: In summary, the available evidence is currently insufficient to determine the role of this variant in disease. Therefore, it has been classified as a Variant of Uncertain Significance. The current clinical and genetic evidence is not sufficient to establish whether loss-of-function variants in ZNF385B cause disease. This variant is not present in population databases (ExAC no frequency). This sequence change creates a premature translational stop signal (p.Lys186*) in the ZNF385B gene. It is expected to result in an absent or disrupted protein product.

NM_152520.6(ZNF385B):c.601A>T (p.Lys201Ter)

Gene: ZNF385B (zinc finger protein 385B; minus strand). Cytogenetic location: 2q31.2.
Variant type: single nucleotide variant.
Coding change: c.601A>T on transcript NM_152520.6 (MANE Select); coding-DNA position 601, A replaced by T.
Protein change: p.Lys201Ter; replaces lysine 201 with a stop codon.
Molecular consequence: nonsense. On other transcripts: non-coding transcript variant (3).
Genome position (GRCh38, 1-based): chr2:179,483,386, T>A on the plus strand (A>T on the coding strand, the complement: ZNF385B is on the minus strand). VCF-style: chr2-179483386-T-A. GRCh37 (hg19) VCF-style: chr2-180348113-T-A.
Other names: c.601A>T, p.Lys201Ter (NM_001352808.2, NM_001352810.2); c.739A>T, p.Lys247Ter (NM_001352809.2); c.640A>T, p.Lys214Ter (NM_001352811.2); c.352A>T, p.Lys118Ter (NM_001352812.2); c.250A>T, p.Lys84Ter (NM_001352813.2, NM_001352814.2, NM_001352815.1 and 2 more transcripts); c.214A>T, p.Lys72Ter (NM_001352816.2); c.160A>T, p.Lys54Ter (NM_001352817.1); c.328A>T, p.Lys110Ter (NM_001113397.2); short protein forms K201*, K214*, K84*, K247*, K118*, K72*, K110*, K54*.
Identifiers: ClinVar variation 958482 (VCV000958482.6), dbSNP rs1458585133, ClinGen allele CA349715045.